The following is an entry in ClinVar:

ClinVar aggregate classification (germline): Uncertain significance (1 of 4 stars; one submission).

gnomAD v4.1: 2 of 1,534,184 alleles (0.00013%); highest among the groups gnomAD compares: Admixed American, 0.0034%; no homozygotes.

Submission:

GeneDx
Classification: Uncertain significance. Last evaluated: 2025-07-01. Review status: criteria provided, single submitter. Criteria: GeneDx Variant Classification Process June 2021. Collection method: clinical testing. Allele origin: germline. Affected: yes.
Comment: Not observed at significant frequency in large population cohorts (gnomAD); In silico analysis supports that this missense variant has a deleterious effect on protein structure/function; Has not been previously published as pathogenic or benign to our knowledge

NM_016194.4(GNB5):c.920T>C (p.Leu307Pro)

Gene: GNB5 (G protein subunit beta 5; minus strand). Cytogenetic location: 15q21.2.
Variant type: single nucleotide variant.
Coding change: c.920T>C on transcript NM_016194.4 (MANE Select); coding-DNA position 920, T replaced by C.
Protein change: p.Leu307Pro; replaces leucine 307 with proline.
Molecular consequence: missense variant.
Genome position (GRCh38, 1-based): chr15:52,126,037, A>G on the plus strand (T>C on the coding strand, the complement: GNB5 is on the minus strand). VCF-style: chr15-52126037-A-G. GRCh37 (hg19) VCF-style: chr15-52418234-A-G.
Other names: c.638T>C, p.Leu213Pro (NM_001379343.1); c.794T>C, p.Leu265Pro (NM_006578.4); short protein forms L213P, L265P, L307P.
Identifiers: ClinVar variation 4680989 (VCV004680989.1).
Genomic context (GRCh38, chr15:52,126,037, plus strand): 5'-CCAAATATGATGCTTTCTTTGGAATAGATGGCAACCTCCCTATCTGCCCGCAGGTCATAG[A>G]GGCGACACTGGGGAGCAAATAAATAAAGAAGCACTTACTTCTGGCTTCAGTTTGGTGACG-3'
Protein context (NP_057278.2, residues 297-317): ASGSDDATCR[Leu307Pro]YDLRADREVA